The following is an entry in ClinVar:

NM_007194.4(CHEK2):c.56dup (p.Gln20fs)

Gene: CHEK2 (checkpoint kinase 2; minus strand). Cytogenetic location: 22q12.1.
Variant type: Duplication.
Coding change: c.56dup on transcript NM_007194.4 (MANE Select); coding-DNA position 56, one base duplicated (C; older notation c.56dupC).
Protein change: p.Gln20fs; shifts the reading frame from glutamine 20.
Molecular consequence: frameshift variant.
Genome position (GRCh38, 1-based): chr22:28,734,666, G duplicated on the plus strand (C on the coding strand, the reverse complement: CHEK2 is on the minus strand). VCF-style (leftmost placement, unchanged base first): chr22-28734665-T-TG. GRCh37 (hg19) VCF-style: chr22-29130653-T-TG.
Other names: c.56dup, p.Gln20Thrfs (NM_001005735.3, NM_001349956.3, NM_145862.3); c.-722dup (NM_001257387.3); short protein forms Q20fs.
Identifiers: ClinVar variation 1969480 (VCV001969480.5), dbSNP rs2518135070, ClinGen allele CA2580099470.

ClinVar aggregate classification (germline): Pathogenic (1 of 4 stars; one submission).

Conditions:
Familial cancer of breast. Also called: BREAST CANCER, FAMILIAL; Hereditary breast cancer; hereditary breast carcinoma. Identifiers: Orphanet 227535, MedGen C0346153, MONDO:0016419, OMIM 114480. Disease mechanism: loss of function.

Submission:

Labcorp Genetics (formerly Invitae), Labcorp
Classification: Pathogenic for Familial cancer of breast. Last evaluated: 2024-01-18. Review status: criteria provided, single submitter. Criteria: Invitae Variant Classification Sherloc (09022015). Collection method: clinical testing. Allele origin: germline.
Comment: This sequence change creates a premature translational stop signal (p.Gln20Thrfs*57) in the CHEK2 gene. It is expected to result in an absent or disrupted protein product. Loss-of-function variants in CHEK2 are known to be pathogenic (PMID: 21876083, 24713400). This variant is not present in population databases (gnomAD no frequency). This variant has not been reported in the literature in individuals affected with CHEK2-related conditions. ClinVar contains an entry for this variant (Variation ID: 1969480). For these reasons, this variant has been classified as Pathogenic.

Literature cited by the submitters: PubMed 21876083; PubMed 24713400.